The following is an entry in ClinVar:

ClinVar aggregate classification (germline): Uncertain significance (1 of 4 stars; one submission).

Conditions:
Long QT syndrome (LQTS). Identifiers: MedGen C0023976, MeSH D008133, MONDO:0002442. Disease mechanism: loss of function. Inheritance: Various modes of inheritance.

Allele frequency attached by ClinVar (database versions not stated): gnomAD exomes below 0.00001.
gnomAD v4.1: 1 of 1,606,390 alleles (0.000062%); highest among the groups gnomAD compares: Non-Finnish European, 0.000085%; no homozygotes.

Submission:

Labcorp Genetics (formerly Invitae), Labcorp
Classification: Uncertain significance for Long QT syndrome. Last evaluated: 2022-12-20. Review status: criteria provided, single submitter. Criteria: Invitae Variant Classification Sherloc (09022015). Collection method: clinical testing. Allele origin: germline.
Comment: In summary, the available evidence is currently insufficient to determine the role of this variant in disease. Therefore, it has been classified as a Variant of Uncertain Significance. Algorithms developed to predict the effect of sequence changes on RNA splicing suggest that this variant may create or strengthen a splice site. This variant has not been reported in the literature in individuals affected with CACNA1C-related conditions. This variant is not present in population databases (gnomAD no frequency). This sequence change affects codon 177 of the CACNA1C mRNA. It is a 'silent' change, meaning that it does not change the encoded amino acid sequence of the CACNA1C protein.

NM_000719.7(CACNA1C):c.531A>G (p.Lys177=)

Gene: CACNA1C (calcium voltage-gated channel subunit alpha1 C; plus strand). Cytogenetic location: 12p13.33.
Variant type: single nucleotide variant.
Coding change: c.531A>G on transcript NM_000719.7 (MANE Select); coding-DNA position 531, A replaced by G.
Protein change: p.Lys177=; no amino-acid change (lysine 177 retained).
Molecular consequence: synonymous variant.
Genome position (GRCh38, 1-based): chr12:2,449,029, A>G. VCF-style: chr12-2449029-A-G. GRCh37 (hg19) VCF-style: chr12-2558195-A-G.
Other names: c.531A>G, p.Lys177= (NM_001129846.2, NM_001167623.2, NM_001167624.3 and 19 more transcripts).
Identifiers: ClinVar variation 2822425 (VCV002822425.3), dbSNP rs2552094581, ClinGen allele CA477882625.